The following is an entry in ClinVar:

NM_206926.2(SELENON):c.481G>A (p.Ala161Thr)

Gene: SELENON (selenoprotein N; plus strand). Cytogenetic location: 1p36.11.
Variant type: single nucleotide variant.
Coding change: c.481G>A on transcript NM_206926.2 (MANE Select); coding-DNA position 481, G replaced by A.
Protein change: p.Ala161Thr; replaces alanine 161 with threonine.
Molecular consequence: missense variant.
Genome position (GRCh38, 1-based): chr1:25,808,625, G>A. VCF-style: chr1-25808625-G-A. GRCh37 (hg19) VCF-style: chr1-26135116-G-A.
Other names: c.583G>A, p.Ala195Thr (NM_020451.3); short protein forms A195T, A161T.
Identifiers: ClinVar variation 95966 (VCV000095966.53), dbSNP rs115852080, ClinGen allele CA149080.

ClinVar aggregate classification (germline): Benign/Likely benign. Review status: criteria provided, multiple submitters, no conflicts (2 of 4 stars). 13 submissions from 13 submitters: Benign (8); Likely benign (2). 3 of the submissions do not count toward it. Last evaluated 2026-02-04.

Conditions:
SEPN1-related disorder. Also called: SEPN1-Related Disorders. Identifiers: MedGen CN239420.
Eichsfeld type congenital muscular dystrophy (CMYO3). Also called: MYOPATHY, SEPN1-RELATED; SELENON-related myopathy; Congenital myopathy 3 with rigid spine; Rigid spine muscular dystrophy 1. Identifiers: MedGen C0410180, MONDO:0100100, OMIM 602771.

Allele frequency attached by ClinVar (database versions not stated): 1000 Genomes Project 30x 0.00687; gnomAD exomes 0.01007 and 0.01335; gnomAD 0.00975 and 0.01060; TOPMed 0.01140; ESP Exome Variant Server 0.01207; 1000 Genomes Project 0.00639; ExAC 0.01006.
gnomAD v4.1: 21,107 of 1,613,668 alleles (1.3%); highest among the groups gnomAD compares: Middle Eastern, 1.6%; 194 homozygotes.

Submissions (13):

Labcorp Genetics (formerly Invitae), Labcorp
Classification: Benign for Eichsfeld type congenital muscular dystrophy. Last evaluated: 2026-02-04. Review status: criteria provided, single submitter. Criteria: Invitae Variant Classification Sherloc (09022015). Collection method: clinical testing. Allele origin: germline.

CeGaT Center for Human Genetics Tuebingen
Classification: Benign. Last evaluated: 2024-07-01. Review status: criteria provided, single submitter. Criteria: CeGaT Center For Human Genetics Tuebingen Variant Classification Criteria Version 2. Collection method: clinical testing. Allele origin: germline. Affected: yes. Observed: 17 variant alleles.
Comment: SELENON: BP4, BS1, BS2

Mayo Clinic Laboratories, Mayo Clinic
Classification: Benign. Last evaluated: 2022-10-07. Review status: criteria provided, single submitter. Criteria: ACMG Guidelines, 2015. Collection method: clinical testing. Allele origin: germline. Observed: 22 variant alleles.

Laboratory for Molecular Medicine, Mass General Brigham Personalized Medicine
Classification: Benign. Last evaluated: 2020-04-02. Review status: criteria provided, single submitter. Criteria: LMM Criteria. Collection method: clinical testing. Allele origin: germline. Observed: 1 variant allele.
Comment: p.Ala195Thr in exon 5 of SEPN1: This variant is not expected to have clinical significance because it has been identified in 1.4% (907/66106) of European chromosomes by the Exome Aggregation Consortium (ExAC; dbSNP rs115852080).

Athena Diagnostics
Classification: Benign. Last evaluated: 2017-10-10. Review status: criteria provided, single submitter. Criteria: Athena Diagnostics Criteria. Collection method: clinical testing. Allele origin: germline.

Illumina Laboratory Services, Illumina
Classification: Likely benign for SEPN1-Related Disorders. Last evaluated: 2017-04-27. Review status: criteria provided, single submitter. Criteria: ICSL Variant Classification Criteria 13 December 2019. Collection method: clinical testing. Allele origin: germline.
Comment: This variant was observed as part of a predisposition screen in an ostensibly healthy population. A literature search was performed for the gene, cDNA change, and amino acid change (where applicable). Publications were found based on this search. The evidence from the literature, in combination with allele frequency data from public databases where available, was sufficient to determine this variant is unlikely to cause disease. Therefore, this variant is classified as likely benign.

GeneDx
Classification: Benign. Last evaluated: 2016-04-13. Review status: criteria provided, single submitter. Criteria: GeneDx Variant Classification (06012015). Collection method: clinical testing. Allele origin: germline. Affected: yes.
Comment: This variant is considered likely benign or benign based on one or more of the following criteria: it is a conservative change, it occurs at a poorly conserved position in the protein, it is predicted to be benign by multiple in silico algorithms, and/or has population frequency not consistent with disease.

Eurofins Ntd Llc (ga)
Classification: Benign. Last evaluated: 2012-09-07. Review status: criteria provided, single submitter. Criteria: EGL Classification Definitions 2015. Collection method: clinical testing. Allele origin: germline. Observed: 3 variant alleles, 3 heterozygotes.

Breakthrough Genomics
Classification: Likely benign. Review status: criteria provided, single submitter. Criteria: ACMG Guidelines, 2015. Collection method: not provided. Allele origin: germline. Inheritance: Autosomal recessive inheritance. Affected: yes.

PreventionGenetics, part of Exact Sciences
Classification: Benign. Review status: criteria provided, single submitter. Criteria: ACMG Guidelines, 2015. Collection method: clinical testing. Allele origin: germline.

Genetic Services Laboratory, University of Chicago
Classification: Likely benign for AllHighlyPenetrant. Review status: no assertion criteria provided. Collection method: clinical testing. Allele origin: germline. Inheritance: Autosomal recessive inheritance. Not counted in ClinVar's aggregate classification.
Comment: Likely benign based on allele frequency in 1000 Genomes Project or ESP global frequency and its presence in a patient with a rare or unrelated disease phenotype. NOT Sanger confirmed.

Genome Diagnostics Laboratory, University Medical Center Utrecht
Classification: Likely benign. Review status: no assertion criteria provided. Collection method: clinical testing. Allele origin: germline. Affected: yes. Study: VKGL Data-share Consensus. Not counted in ClinVar's aggregate classification.

Laboratory of Diagnostic Genome Analysis, Leiden University Medical Center (LUMC)
Classification: Likely benign. Review status: no assertion criteria provided. Collection method: clinical testing. Allele origin: germline. Affected: yes. Study: VKGL Data-share Consensus. Not counted in ClinVar's aggregate classification.

Literature cited by the submitters: PubMed 15792869 (cited by Athena Diagnostics and Illumina Laboratory Services, Illumina).